The following is an entry in ClinVar:

NM_152381.6(XIRP2):c.7441del (p.Val2481fs)

Gene: XIRP2 (xin actin binding repeat containing 2; plus strand). Cytogenetic location: 2q24.3.
Variant type: Deletion.
Coding change: c.7441del on transcript NM_152381.6 (MANE Select); coding-DNA position 7441, one base deleted (G; older notation c.7441delG).
Protein change: p.Val2481fs; shifts the reading frame from valine 2481.
Molecular consequence: frameshift variant. On other transcripts: intron variant (3).
Genome position (GRCh38, 1-based): chr2:167,248,833, G deleted. VCF-style (leftmost placement, unchanged base first): chr2-167248832-CG-C. GRCh37 (hg19) VCF-style: chr2-168105342-CG-C.
Other names: c.6775del, p.Val2259fs (NM_001199144.2); c.1276-5199del (NM_001199143.2); c.1177-5199del (NM_001079810.4); c.511-5199del (NM_001199145.2); short protein forms V2259fs, V2481fs.
Identifiers: ClinVar variation 2501744 (VCV002501744.1), dbSNP rs761547991, ClinGen allele CA1947621.

ClinVar aggregate classification (germline): Uncertain significance (1 of 4 stars; one submission).

Allele frequency attached by ClinVar (database versions not stated): ExAC 0.00005; gnomAD 0.00015; gnomAD exomes 0.00016.

Submission:

Center for Genomics, Ann and Robert H. Lurie Children's Hospital of Chicago
Classification: Uncertain significance. Last evaluated: 2021-03-30. Review status: criteria provided, single submitter. Criteria: ACMG Guidelines, 2015. Collection method: clinical testing. Allele origin: germline.
Comment: XIRP2 NM_152381.5 exon 9 p.Val2481Leufs*39 (c.7441delG): This variant has not been reported in the literature and is present in 0.008% (2/24966) of European alleles in the Genome Aggregation Database. Evolutionary conservation and computational predictive tools for this variant are limited or unavailable. This variant is a deletion of 1 nucleotide and creates a premature stop codon 39 amino acids downstream from this location which results in an absent or abnormal protein. However, there is insufficient evidence to establish loss of function (LOF) as a known mechanism of disease. In summary, data on this variant is insufficient for disease classification. Therefore, the clinical significance of this variant is uncertain.